The following is an entry in ClinVar:

NM_001009944.3(PKD1):c.6527G>A (p.Arg2176His)

Gene: PKD1 (polycystin 1, transient receptor potential channel interacting; minus strand). Cytogenetic location: 16p13.3.
Variant type: single nucleotide variant.
Coding change: c.6527G>A on transcript NM_001009944.3 (MANE Select); coding-DNA position 6527, G replaced by A.
Protein change: p.Arg2176His; replaces arginine 2176 with histidine.
Molecular consequence: missense variant.
Genome position (GRCh38, 1-based): chr16:2,108,640, C>T on the plus strand (G>A on the coding strand, the complement: PKD1 is on the minus strand). VCF-style: chr16-2108640-C-T. GRCh37 (hg19) VCF-style: chr16-2158641-C-T.
Other names: c.6527G>A, p.Arg2176His (NM_000296.4); short protein forms R2176H.
Identifiers: ClinVar variation 997145 (VCV000997145.1), dbSNP rs777123546, ClinGen allele CA7831572.

ClinVar aggregate classification (germline): Uncertain significance (0 of 4 stars; one submission).

Conditions:
Polycystic kidney disease. Also called: Polycystic kidney dysplasia; Kidney, Polycystic. Identifiers: MedGen C0022680, MeSH D007690, MONDO:0020642, HP:0000113.

Allele frequency attached by ClinVar (database versions not stated): gnomAD exomes below 0.00001; gnomAD 0.00001; ExAC 0.00004.
gnomAD v4.1: 6 of 1,560,998 alleles (0.00038%); highest among the groups gnomAD compares: Non-Finnish European, 0.00052%; no homozygotes.

Submission:

Department of Pathology and Laboratory Medicine, Sinai Health System
Classification: Uncertain significance for Polycystic Kidney disease. Review status: no assertion criteria provided. Collection method: clinical testing. Allele origin: unknown. Affected: yes. Study: The Canadian Open Genetics Repository (COGR).
Comment: The PKD1 p.Arg2176His variant was not identified in the literature nor was it identified in the ClinVar, LOVD 3.0, ADPKD Mutation Database, or PKD1-LOVD databases. The variant was identified in dbSNP (ID: rs777123546) as "NA". The variant was identified in control databases in 1 of 30912 chromosomes at a frequency of 0.00003 (Genome Aggregation Database Feb 27, 2017). The variant was observed in the following populations: European Non-Finnish in 1 of 14990 chromosomes (freq: 0.00007), while the variant was not observed in the African, Other, Latino, Ashkenazi Jewish, East Asian, European Finnish, and South Asian populations. In addition we cannot be certain that data from control databases is specific to PKD1 and not from one of the six PKD1 pseudogenes. The p.Arg2176 residue is conserved in mammals but not in more distantly related organisms however four out of five computational analyses (PolyPhen-2, SIFT, AlignGVGD, BLOSUM, MutationTaster) do not suggest a high likelihood of impact to the protein; this information is not predictive enough to rule out pathogenicity. The variant occurs outside of the splicing consensus sequence and in silico or computational prediction software programs (SpliceSiteFinder, MaxEntScan, NNSPLICE, GeneSplicer) do not predict a difference in splicing. In summary, based on the above information the clinical significance of this variant cannot be determined with certainty at this time. This variant is classified as a variant of uncertain significance.